The following is an entry in ClinVar:

ClinVar aggregate classification (germline): Uncertain significance. Review status: criteria provided, single submitter (1 of 4 stars). 2 submissions from 2 submitters: Uncertain significance (1). 1 of the submissions does not count toward it. Last evaluated 2024-05-12.

Conditions:
GRACILE syndrome (FLNMS). Also called: FELLMAN SYNDROME; FINNISH LETHAL NEONATAL METABOLIC SYNDROME. Identifiers: Orphanet 53693, MedGen C1864002, MONDO:0011308, OMIM 603358.

Submissions (2):

GeneDx
Classification: Uncertain significance. Last evaluated: 2024-05-12. Review status: criteria provided, single submitter. Criteria: GeneDx Variant Classification Process June 2021. Collection method: clinical testing. Allele origin: germline. Affected: yes.
Comment: Not observed at significant frequency in large population cohorts (gnomAD); In-frame deletion of 1 amino acid in a non-repeat region; In silico analysis supports a deleterious effect on protein structure/function; Has not been previously published as pathogenic or benign to our knowledge

Counsyl
Classification: Uncertain significance for GRACILE syndrome. Last evaluated: 2017-11-02. Review status: no assertion criteria provided. Collection method: clinical testing. Allele origin: unknown. Not counted in ClinVar's aggregate classification.

NM_001079866.2(BCS1L):c.291_293del (p.Val98del)

Gene: BCS1L (BCS1 ubiquinol-cytochrome c reductase complex chaperone; plus strand). Cytogenetic location: 2q35.
Variant type: Deletion.
Coding change: c.291_293del on transcript NM_001079866.2 (MANE Select); coding-DNA positions 291 to 293, 3 bases deleted (TGT; older notation c.291_293delTGT).
Protein change: p.Val98del; deletes valine 98.
Molecular consequence: inframe deletion. On other transcripts: 5 prime UTR variant (5), non-coding transcript variant (1), intron variant (3).
Genome position (GRCh38, 1-based): chr2:218,661,278-218,661,280, TGT deleted; deleting any 3 consecutive bases within chr2:218,661,277-218,661,280 gives the same sequence; the c. name uses the placement nearest the transcript's 3' end. VCF-style (leftmost placement, unchanged base first): chr2-218661276-TTTG-T. GRCh37 (hg19) VCF-style: chr2-219525999-TTTG-T.
Other names: c.291_293del, p.Val98del (NM_001371444.1, NM_001371446.1, NM_001371447.1 and 10 more transcripts); c.-186_-184del (NM_001371453.1, NM_001371454.1, NM_001371455.1 and 2 more transcripts); c.291_293delTGT (NM_004328.4); c.291_293del (NM_004328.4); c.-40-128_-40-126del (NM_001371451.1, NM_001318836.2); c.-41-481_-41-479del (NM_001371452.1); short protein forms V98del.
Identifiers: ClinVar variation 554754 (VCV000554754.3), dbSNP rs1293818477, ClinGen allele CA539840235.